The following is an entry in ClinVar:

GRCh37/hg19 17p11.2(chr17:16741411-20430791)x1

Genes: AKAP10 (A-kinase anchoring protein 10; minus strand), ALDH3A1 (aldehyde dehydrogenase 3 family member A1; minus strand), ALDH3A2 (aldehyde dehydrogenase 3 family member A2; plus strand), ALKBH5 (alkB homolog 5, RNA demethylase; plus strand), ATPAF2 (ATP synthase mitochondrial F1 complex assembly factor 2; minus strand) and 45 more. Cytogenetic location: 17p11.2.
Variant type: copy number loss.
Change: copy number 1 (one copy instead of two) of chr17:16,741,411-20,430,791 (3.69 Mb, GRCh37 coordinates, 1-based), cytogenetic band 17p11.2.
Identifiers: ClinVar variation 564409 (VCV000564409.3).

ClinVar aggregate classification (germline): Pathogenic (1 of 4 stars; one submission).

Submission:

Quest Diagnostics Nichols Institute San Juan Capistrano
Classification: Pathogenic. Last evaluated: 2024-01-17. Review status: criteria provided, single submitter. Criteria: ACMG/ClinGen CNV Guidelines, 2019. Collection method: clinical testing. Allele origin: unknown.
Comment: This copy number loss involves multiple protein-coding genes, including RAI1 (OMIM 607642) and FLCN (OMIM 607273), haploinsufficiency of which are associated with Smith-Magenis syndrome (OMIM 182290; CCID:007750; Smith 2022) and Birt-Hogg-Dube syndrome (OMIM 135150; CCID:007144), respectively. Therefore, this CNV is classified as pathogenic. References: Smith et al., GeneReviews [Internet]. [2022 Mar 10]. PMID:20301487